The following is an entry in ClinVar:

ClinVar aggregate classification (germline): Conflicting classifications of pathogenicity. Review status: criteria provided, conflicting classifications (1 of 4 stars). 2 submissions from 2 submitters: Uncertain significance (1); Likely benign (1). Last evaluated 2025-06-24.

Conditions:
AXL-related disorder. Also called: AXL-related condition.

gnomAD v4.1: 145 of 1,614,212 alleles (0.009%); highest among the groups gnomAD compares: South Asian, 0.15%; 1 homozygote.

Submissions (2):

PreventionGenetics, part of Exact Sciences
Classification: Likely benign for AXL-related condition. Last evaluated: 2025-06-24. Review status: criteria provided, single submitter. Criteria: ACMG Guidelines, 2015. Collection method: clinical testing. Allele origin: germline.
Comment: This variant is classified as likely benign based on ACMG/AMP sequence variant interpretation guidelines (Richards et al. 2015 PMID: 25741868, with internal and published modifications).

Ambry Genetics
Classification: Uncertain significance. Last evaluated: 2025-02-18. Review status: criteria provided, single submitter. Criteria: Ambry Variant Classification Scheme 2023. Collection method: clinical testing. Allele origin: germline.

NM_021913.5(AXL):c.1568A>T (p.Lys523Met)

Gene: AXL (AXL receptor tyrosine kinase; plus strand). Cytogenetic location: 19q13.2.
Variant type: single nucleotide variant.
Coding change: c.1568A>T on transcript NM_021913.5 (MANE Select); coding-DNA position 1568, A replaced by T.
Protein change: p.Lys523Met; replaces lysine 523 with methionine.
Molecular consequence: missense variant.
Genome position (GRCh38, 1-based): chr19:41,248,544, A>T. VCF-style: chr19-41248544-A-T. GRCh37 (hg19) VCF-style: chr19-41754449-A-T.
Other names: c.764A>T, p.Lys255Met (NM_001278599.2); c.1541A>T, p.Lys514Met (NM_001699.6); c.1568A>T (NM_021913.4); short protein forms K255M, K514M, K523M.
Identifiers: ClinVar variation 3814894 (VCV003814894.2).
Genomic context (GRCh38, chr19:41,248,544, plus strand): 5'-TGACTCTGTCCACCCCAACCTTGCATGCAGTGAACAGCCTGGGCATCAGTGAAGAGCTGA[A>T]GGAGAAGCTGCGGGATGTGATGGTGGACCGGCACAAGGTGGCCCTGGGGAAGACTCTGGG-3'
Protein context (NP_068713.2, residues 513-533): LNSLGISEEL[Lys523Met]EKLRDVMVDR